The following is an entry in ClinVar:

NM_000051.4(ATM):c.1745_1746insTAAATGGCTCTTATT (p.Phe582_Tyr583insLysTrpLeuLeuPhe)

Gene: ATM (ATM serine/threonine kinase; plus strand). Cytogenetic location: 11q22.3.
Variant type: Insertion.
Coding change: c.1745_1746insTAAATGGCTCTTATT on transcript NM_000051.4 (MANE Select); coding-DNA positions 1745 to 1746, TAAATGGCTCTTATT inserted.
Protein change: p.Phe582_Tyr583insLysTrpLeuLeuPhe.
Molecular consequence: inframe insertion.
Genome position: GRCh38 VCF-style: chr11-108251960-G-GAAATGGCTCTTATTT. GRCh37 (hg19) VCF-style: chr11-108122687-G-GAAATGGCTCTTATTT.
Other names: c.1745_1746insTAAATGGCTCTTATT, p.Phe582_Tyr583insLysTrpLeuLeuPhe (NM_001351834.2).
Identifiers: ClinVar variation 1779271 (VCV001779271.2), dbSNP rs2497271911, ClinGen allele CA2580083794.

ClinVar aggregate classification (germline): Uncertain significance (1 of 4 stars; one submission).

Conditions:
Hereditary cancer-predisposing syndrome. Also called: Neoplastic Syndromes, Hereditary; Tumor predisposition; Hereditary Cancer Syndrome; Hereditary neoplastic syndrome. Identifiers: Orphanet 140162, MedGen C0027672, MeSH D009386, MONDO:0015356.

Submission:

Ambry Genetics
Classification: Uncertain significance for Hereditary cancer-predisposing syndrome. Last evaluated: 2019-04-12. Review status: criteria provided, single submitter. Criteria: Ambry Variant Classification Scheme 2023. Collection method: clinical testing. Allele origin: germline.
Comment: The c.1745_1746ins15 variant (also known as p.K578_F582dup), located in coding exon 10 of the ATM gene, results from an in-frame 15 nucleotide insertion at nucleotide positions 1745 to 1746. This results in the insertion of five extra amino acids between codons 578 and 582. Since supporting evidence is limited at this time, the clinical significance of this alteration remains unclear.